The following is an entry in ClinVar:

NM_182914.3(SYNE2):c.13374A>T (p.Glu4458Asp)

Gene: SYNE2 (spectrin repeat containing nuclear envelope protein 2; plus strand). Cytogenetic location: 14q23.2.
Variant type: single nucleotide variant.
Coding change: c.13374A>T on transcript NM_182914.3 (MANE Select); coding-DNA position 13374, A replaced by T.
Protein change: p.Glu4458Asp; replaces glutamic acid 4458 with aspartic acid.
Molecular consequence: missense variant.
Genome position (GRCh38, 1-based): chr14:64,122,379, A>T. VCF-style: chr14-64122379-A-T. GRCh37 (hg19) VCF-style: chr14-64589097-A-T.
Other names: c.13374A>T, p.Glu4458Asp (NM_015180.6); short protein forms E4458D.
Identifiers: ClinVar variation 4762386 (VCV004762386.1).

ClinVar aggregate classification (germline): Uncertain significance (1 of 4 stars; one submission).

Conditions:
Emery-Dreifuss muscular dystrophy 5, autosomal dominant (EDMD5). Also called: EMERY-DREIFUSS MUSCULAR DYSTROPHY 5. Identifiers: Orphanet 261, MedGen C2751805, MONDO:0013072, OMIM 612999.

gnomAD v4.1: 9 of 1,614,032 alleles (0.00056%); highest among the groups gnomAD compares: Non-Finnish European, 0.00076%; no homozygotes.

Submission:

Labcorp Genetics (formerly Invitae), Labcorp
Classification: Uncertain significance for Emery-Dreifuss muscular dystrophy 5, autosomal dominant. Last evaluated: 2025-10-29. Review status: criteria provided, single submitter. Criteria: Invitae Variant Classification Sherloc (09022015). Collection method: clinical testing. Allele origin: germline.
Comment: This sequence change replaces glutamic acid, which is acidic and polar, with aspartic acid, which is acidic and polar, at codon 4458 of the SYNE2 protein (p.Glu4458Asp). This variant is present in population databases (rs745685655, gnomAD 0.002%). This variant has not been reported in the literature in individuals affected with SYNE2-related conditions. An algorithm developed to predict the effect of missense changes on protein structure and function (PolyPhen-2) suggests that this variant is likely to be disruptive. In summary, the available evidence is currently insufficient to determine the role of this variant in disease. Therefore, it has been classified as a Variant of Uncertain Significance.